The following is an entry in ClinVar:

NM_001033046.4(CYBC1):c.363del (p.Gly123fs)

Gene: CYBC1 (cytochrome b-245 chaperone 1; minus strand). Cytogenetic location: 17q25.3.
Variant type: Deletion.
Coding change: c.363del on transcript NM_001033046.4 (MANE Select); coding-DNA position 363, one base deleted (G; older notation c.363delG).
Protein change: p.Gly123fs; shifts the reading frame from glycine 123.
Molecular consequence: frameshift variant. On other transcripts: non-coding transcript variant (4).
Genome position (GRCh38, 1-based): chr17:82,444,527, C deleted on the plus strand (G on the coding strand, the reverse complement: CYBC1 is on the minus strand); the first of 3 consecutive C bases (chr17:82,444,527-82,444,529); deleting any one gives the same sequence. VCF-style (leftmost placement, unchanged base first): chr17-82444526-TC-T. GRCh37 (hg19) VCF-style: chr17-80402402-TC-T.
Other names: c.363del, p.Gly123fs (NM_001100407.3, NM_001193653.2, NM_001193654.2 and 2 more transcripts); c.321del, p.Gly109fs (NM_001100408.3); short protein forms G123fs, G109fs.
Identifiers: ClinVar variation 2757266 (VCV002757266.3), dbSNP rs1446660839, ClinGen allele CA775741924.
Genomic context (GRCh38, chr17:82,444,526, plus strand): 5'-CACTCTGCGTGAGGGGGTGGGAGAAGCCCGTCGCAAGCCGGAGCACCACCATGTAGCCTT[TC>T]CCGAAGTACCGGACCTTCTCCTCCTCCACGCTCACATCACGGACATCATGGAGCAGGACC-3'

ClinVar aggregate classification (germline): Uncertain significance (1 of 4 stars; one submission).

Submission:

Labcorp Genetics (formerly Invitae), Labcorp
Classification: Uncertain significance. Last evaluated: 2023-09-01. Review status: criteria provided, single submitter. Criteria: Invitae Variant Classification Sherloc (09022015). Collection method: clinical testing. Allele origin: germline.
Comment: In summary, the available evidence is currently insufficient to determine the role of this variant in disease. Therefore, it has been classified as a Variant of Uncertain Significance. This variant has not been reported in the literature in individuals affected with C17orf62-related conditions. This variant is not present in population databases (gnomAD no frequency). This sequence change results in a frameshift in the C17orf62 gene (p.Gly123Alafs*250). While this is not anticipated to result in nonsense mediated decay, it is expected to disrupt the last 65 amino acid(s) of the C17orf62 protein and extend the protein by 184 additional amino acid residues.